The following is an entry in ClinVar:

NM_024675.4(PALB2):c.1926G>A (p.Met642Ile)

Gene: PALB2 (partner and localizer of BRCA2; minus strand). Cytogenetic location: 16p12.2.
Variant type: single nucleotide variant.
Coding change: c.1926G>A on transcript NM_024675.4 (MANE Select); coding-DNA position 1926, G replaced by A.
Protein change: p.Met642Ile; replaces methionine 642 with isoleucine.
Molecular consequence: missense variant.
Genome position (GRCh38, 1-based): chr16:23,630,228, C>T on the plus strand (G>A on the coding strand, the complement: PALB2 is on the minus strand). VCF-style: chr16-23630228-C-T. GRCh37 (hg19) VCF-style: chr16-23641549-C-T.
Other names: short protein forms M642I.
Identifiers: ClinVar variation 820357 (VCV000820357.8), dbSNP rs1597090741, ClinGen allele CA395127489.
Genomic context (GRCh38, chr16:23,630,228, plus strand): 5'-TTTAGGACTCAGTTCCTCTGGAAAAATACAGCTTCCCTCTTTAAGATGTCTCTCTCCAAA[C>T]ATTTTTGACTCAAAGGGCTCCACTGGTTTTTCTGAGCAGGACTTCACTTTTTCAAGCTTA-3'
Protein context (NP_078951.2, residues 632-652): EKPVEPFESK[Met642Ile]FGERHLKEGS

ClinVar aggregate classification (germline): Uncertain significance. Review status: criteria provided, multiple submitters, no conflicts (2 of 4 stars). 3 submissions from 3 submitters: Uncertain significance (3). Last evaluated 2025-12-08.

Conditions:
Familial cancer of breast. Also called: BREAST CANCER, FAMILIAL; Hereditary breast cancer; hereditary breast carcinoma. Identifiers: Orphanet 227535, MedGen C0346153, MONDO:0016419, OMIM 114480. Disease mechanism: loss of function.
Hereditary cancer-predisposing syndrome. Also called: Neoplastic Syndromes, Hereditary; Tumor predisposition; Hereditary Cancer Syndrome; Hereditary neoplastic syndrome. Identifiers: Orphanet 140162, MedGen C0027672, MeSH D009386, MONDO:0015356.

Allele frequency attached by ClinVar (database versions not stated): gnomAD exomes below 0.00001; TOPMed below 0.00001.
gnomAD v4.1: 1 of 1,614,162 alleles (0.000062%); highest among the groups gnomAD compares: Non-Finnish European, 0.000085%; no homozygotes.

Submissions (3):

Labcorp Genetics (formerly Invitae), Labcorp
Classification: Uncertain significance for Familial cancer of breast. Last evaluated: 2025-12-08. Review status: criteria provided, single submitter. Criteria: Invitae Variant Classification Sherloc (09022015). Collection method: clinical testing. Allele origin: germline.
Comment: This sequence change replaces methionine, which is neutral and non-polar, with isoleucine, which is neutral and non-polar, at codon 642 of the PALB2 protein (p.Met642Ile). This variant is not present in population databases (gnomAD no frequency). This variant has not been reported in the literature in individuals affected with PALB2-related conditions. ClinVar contains an entry for this variant (Variation ID: 820357). Invitae Evidence Modeling of protein sequence and biophysical properties (such as structural, functional, and spatial information, amino acid conservation, physicochemical variation, residue mobility, and thermodynamic stability) indicates that this missense variant is not expected to disrupt PALB2 protein function with a negative predictive value of 80%. In summary, the available evidence is currently insufficient to determine the role of this variant in disease. Therefore, it has been classified as a Variant of Uncertain Significance.

Ambry Genetics
Classification: Uncertain significance for Hereditary cancer-predisposing syndrome. Last evaluated: 2025-04-06. Review status: criteria provided, single submitter. Criteria: Ambry Variant Classification Scheme 2023. Collection method: clinical testing. Allele origin: germline.
Comment: The p.M642I variant (also known as c.1926G>A), located in coding exon 5 of the PALB2 gene, results from a G to A substitution at nucleotide position 1926. The methionine at codon 642 is replaced by isoleucine, an amino acid with highly similar properties. This amino acid position is poorly conserved in available vertebrate species. In addition, this alteration is predicted to be tolerated by in silico analysis. Since supporting evidence is limited at this time, the clinical significance of this alteration remains unclear.

Color Diagnostics, LLC DBA Color Health
Classification: Uncertain significance for Hereditary cancer-predisposing syndrome. Last evaluated: 2024-09-26. Review status: criteria provided, single submitter. Criteria: ACMG Guidelines, 2015. Collection method: clinical testing. Allele origin: germline.
Comment: This missense variant replaces methionine with isoleucine at codon 642 of the PALB2 protein. Computational prediction suggests that this variant may not impact protein structure and function. To our knowledge, functional studies have not been reported for this variant. This variant has been detected in a breast cancer case-control meta-analysis in 1/60466 cases and 0/53461 unaffected individuals (PMID: 33471991; Leiden Open Variation Database DB-ID PALB2_010963). This variant has not been identified in the general population by the Genome Aggregation Database (gnomAD). The available evidence is insufficient to determine the role of this variant in disease conclusively. Therefore, this variant is classified as a Variant of Uncertain Significance.

Literature cited by the submitters: PubMed 33471991 (cited by Color Diagnostics, LLC DBA Color Health).